The following is an entry in ClinVar:

NM_001103.4(ACTN2):c.1923G>T (p.Gln641His)

Gene: ACTN2 (actinin alpha 2; plus strand). Cytogenetic location: 1q43.
Variant type: single nucleotide variant.
Coding change: c.1923G>T on transcript NM_001103.4 (MANE Select); coding-DNA position 1923, G replaced by T.
Protein change: p.Gln641His; replaces glutamine 641 with histidine.
Molecular consequence: missense variant.
Genome position (GRCh38, 1-based): chr1:236,754,030, G>T. VCF-style: chr1-236754030-G-T. GRCh37 (hg19) VCF-style: chr1-236917330-G-T.
Other names: c.1923G>T (NM_001103.2); c.1923G>T, p.Gln641His (NM_001278343.2); c.1299G>T, p.Gln433His (NM_001278344.2); c.1173G>T, p.Gln391His (NM_001412150.1); short protein forms Q433H, Q641H, Q391H.
Identifiers: ClinVar variation 2111725 (VCV002111725.6), dbSNP rs2527644316, ClinGen allele CA345386909.

ClinVar aggregate classification (germline): Uncertain significance. Review status: criteria provided, multiple submitters, no conflicts (2 of 4 stars). 2 submissions from 2 submitters: Uncertain significance (2). Last evaluated 2023-08-02.

Conditions:
Cardiovascular phenotype. Identifiers: MedGen CN230736.
Dilated cardiomyopathy 1AA (CMD1AA). Also called: CARDIOMYOPATHY, DILATED, 1AA, WITH OR WITHOUT LEFT VENTRICULAR NONCOMPACTION; CARDIOMYOPATHY, FAMILIAL HYPERTROPHIC, 23, WITH OR WITHOUT LEFT VENTRICULAR NONCOMPACTION; Cardiomyopathy, dilated, 1AA, with or without LVNC. Identifiers: Orphanet 154, MedGen C2677338, MONDO:0012808, OMIM 612158.
Primary familial hypertrophic cardiomyopathy (HCM). Identifiers: Orphanet 99739, MedGen C0949658, MeSH D024741, MONDO:0024573. Inheritance: Various modes of inheritance.

Submissions (2):

Labcorp Genetics (formerly Invitae), Labcorp
Classification: Uncertain significance for Primary familial hypertrophic cardiomyopathy; Dilated cardiomyopathy 1AA. Last evaluated: 2023-08-02. Review status: criteria provided, single submitter. Criteria: Invitae Variant Classification Sherloc (09022015). Collection method: clinical testing. Allele origin: germline.
Comment: This sequence change replaces glutamine, which is neutral and polar, with histidine, which is basic and polar, at codon 641 of the ACTN2 protein (p.Gln641His). This variant is not present in population databases (gnomAD no frequency). In summary, the available evidence is currently insufficient to determine the role of this variant in disease. Therefore, it has been classified as a Variant of Uncertain Significance. Advanced modeling of protein sequence and biophysical properties (such as structural, functional, and spatial information, amino acid conservation, physicochemical variation, residue mobility, and thermodynamic stability) performed at Invitae indicates that this missense variant is not expected to disrupt ACTN2 protein function. ClinVar contains an entry for this variant (Variation ID: 2111725). This variant has not been reported in the literature in individuals affected with ACTN2-related conditions.

Ambry Genetics
Classification: Uncertain significance for Cardiovascular phenotype. Last evaluated: 2023-03-18. Review status: criteria provided, single submitter. Criteria: Ambry Variant Classification Scheme 2023. Collection method: clinical testing. Allele origin: germline.
Comment: The p.Q641H variant (also known as c.1923G>T), located in coding exon 16 of the ACTN2 gene, results from a G to T substitution at nucleotide position 1923. The glutamine at codon 641 is replaced by histidine, an amino acid with highly similar properties. This amino acid position is conserved. In addition, the in silico prediction for this alteration is inconclusive. Since supporting evidence is limited at this time, the clinical significance of this alteration remains unclear.